The following is an entry in ClinVar:

ClinVar aggregate classification (germline): Uncertain significance (1 of 4 stars; one submission).

gnomAD v4.1: 38 of 1,613,124 alleles (0.0024%); highest among the groups gnomAD compares: South Asian, 0.02%; 1 homozygote.

Submission:

Ambry Genetics
Classification: Uncertain significance. Last evaluated: 2026-04-15. Review status: criteria provided, single submitter. Criteria: Ambry Variant Classification Scheme 2023. Collection method: clinical testing. Allele origin: germline.
Comment: The c.1028C>T (p.T343I) alteration is located in exon 5 (coding exon 5) of the ZNF862 gene. This alteration results from a C to T substitution at nucleotide position 1028, causing the threonine (T) at amino acid position 343 to be replaced by an isoleucine (I). Based on data from gnomAD, the T allele has an overall frequency of 0.003% (9/279072) total alleles studied. The highest observed frequency was 0.02% (6/30392) of South Asian alleles. Based on insufficient or conflicting evidence, the clinical significance of this alteration remains unclear.

NM_001099220.3(ZNF862):c.1028C>T (p.Thr343Ile)

Gene: ZNF862 (zinc finger protein 862; plus strand). Cytogenetic location: 7q36.1.
Variant type: single nucleotide variant.
Coding change: c.1028C>T on transcript NM_001099220.3 (MANE Select); coding-DNA position 1028, C replaced by T.
Protein change: p.Thr343Ile; replaces threonine 343 with isoleucine.
Molecular consequence: missense variant.
Genome position (GRCh38, 1-based): chr7:149,850,249, C>T. VCF-style: chr7-149850249-C-T. GRCh37 (hg19) VCF-style: chr7-149547338-C-T.
Other names: short protein forms T343I.
Identifiers: ClinVar variation 4867071 (VCV004867071.1).